The following is an entry in ClinVar:

ClinVar aggregate classification (germline): Pathogenic (1 of 4 stars; one submission).

Conditions:
Familial cancer of breast. Also called: BREAST CANCER, FAMILIAL; Hereditary breast cancer; hereditary breast carcinoma. Identifiers: Orphanet 227535, MedGen C0346153, MONDO:0016419, OMIM 114480. Disease mechanism: loss of function.

Submission:

Myriad Genetics, Inc.
Classification: Pathogenic for Familial cancer of breast. Last evaluated: 2024-01-16. Review status: criteria provided, single submitter. Criteria: Myriad Autosomal Dominant, Autosomal Recessive and X-Linked Classification Criteria (2023). Collection method: clinical testing. Allele origin: unknown.
Comment: This variant is considered pathogenic. This variant creates a frameshift predicted to result in premature protein truncation.

NM_000051.4(ATM):c.1919_1921delinsT (p.Lys640fs)

Gene: ATM (ATM serine/threonine kinase; plus strand). Cytogenetic location: 11q22.3.
Variant type: Indel.
Coding change: c.1919_1921delinsT on transcript NM_000051.4 (MANE Select); coding-DNA positions 1919 to 1921, AAG replaced by T.
Protein change: p.Lys640fs; shifts the reading frame from lysine 640.
Molecular consequence: frameshift variant.
Genome position (GRCh38, 1-based): chr11:108,253,834-108,253,836, AAG replaced by T. VCF-style: chr11-108253834-AAG-T. GRCh37 (hg19) VCF-style: chr11-108124561-AAG-T.
Other names: c.1919_1921delinsT, p.Lys640fs (NM_001351834.2); short protein forms K640fs.
Identifiers: ClinVar variation 3148357 (VCV003148357.1), dbSNP rs2497309712, ClinGen allele CA2825001772.